The following is an entry in ClinVar:

ClinVar aggregate classification (germline): Pathogenic (1 of 4 stars; one submission).

Conditions:
Fetal anomalies with a likely genetic cause.

Submission:

Genetics Laboratory, Great Ormond Street Hospital NHS Foundation Trust, North Thames Genomic Laboratory Hub
Classification: Pathogenic for Fetal anomalies with a likely genetic cause. Last evaluated: 2026-02-08. Review status: criteria provided, single submitter. Criteria: ACGS Best Practice Guidelines for Variant Classification in Rare Disease 2024 v1.2. Collection method: clinical testing. Allele origin: germline. Affected: yes.
Comment: PM2_moderate, PVS1_very-strong

NM_001372.4(DNAH9):c.1114C>T (p.Gln372Ter)

Gene: DNAH9 (dynein axonemal heavy chain 9; plus strand). Cytogenetic location: 17p12.
Variant type: single nucleotide variant.
Coding change: c.1114C>T on transcript NM_001372.4 (MANE Select); coding-DNA position 1114, C replaced by T.
Protein change: p.Gln372Ter; replaces glutamine 372 with a stop codon.
Molecular consequence: nonsense.
Genome position (GRCh38, 1-based): chr17:11,617,620, C>T. VCF-style: chr17-11617620-C-T. GRCh37 (hg19) VCF-style: chr17-11520937-C-T.
Other names: short protein forms Q372*.
Identifiers: ClinVar variation 4819701 (VCV004819701.1).
Genomic context (GRCh38, chr17:11,617,620, plus strand): 5'-TACCGCTCCCCGGGAAGGCTGACTGTGCTGCTCCAGGAGATTTGCAACCTTCTCATCCAG[C>T]AGGTGGGCTGCCCTGGGATGCCCAGCAACTGCTCCCTGGGGGCTGGTTGGCATCTAGTCA-3'